The following is an entry in ClinVar:

NM_000051.4(ATM):c.6962C>A (p.Ala2321Asp)

Genes: ATM (ATM serine/threonine kinase; plus strand), C11orf65 (chromosome 11 open reading frame 65; minus strand). Cytogenetic location: 11q22.3.
Variant type: single nucleotide variant.
Coding change: c.6962C>A on transcript NM_000051.4 (MANE Select); coding-DNA position 6962, C replaced by A.
Protein change: p.Ala2321Asp; replaces alanine 2321 with aspartic acid.
Molecular consequence: missense variant. On other transcripts: intron variant (2).
Genome position (GRCh38, 1-based): chr11:108,326,212, C>A. VCF-style: chr11-108326212-C-A. GRCh37 (hg19) VCF-style: chr11-108196939-C-A.
Other names: c.6962C>A, p.Ala2321Asp (NM_001351834.2); c.641-17141G>T (NM_001330368.2); c.*38+9008G>T (NM_001351110.2); short protein forms A2321D.
Identifiers: ClinVar variation 877839 (VCV000877839.11), dbSNP rs1383763069, ClinGen allele CA382557392.

ClinVar aggregate classification (germline): Uncertain significance. Review status: criteria provided, multiple submitters, no conflicts (2 of 4 stars). 2 submissions from 2 submitters: Uncertain significance (2). Last evaluated 2022-01-26.

Conditions:
Ataxia-telangiectasia syndrome (AT). Also called: ATAXIA-TELANGIECTASIA, COMPLEMENTATION GROUP A; ATAXIA-TELANGIECTASIA, FRESNO VARIANT; Ataxia-telangiectasia; Ataxia-telangiectasia, complementation group D; AT, COMPLEMENTATION GROUP C; Ataxia-telangiectasia, complementation group E. Identifiers: Orphanet 100, MedGen C0004135, MONDO:0008840, OMIM 208900.

Submissions (2):

Labcorp Genetics (formerly Invitae), Labcorp
Classification: Uncertain significance for Ataxia-telangiectasia syndrome. Last evaluated: 2022-01-26. Review status: criteria provided, single submitter. Criteria: Invitae Variant Classification Sherloc (09022015). Collection method: clinical testing. Allele origin: germline.
Comment: In summary, the available evidence is currently insufficient to determine the role of this variant in disease. Therefore, it has been classified as a Variant of Uncertain Significance. Advanced modeling of protein sequence and biophysical properties (such as structural, functional, and spatial information, amino acid conservation, physicochemical variation, residue mobility, and thermodynamic stability) performed at Invitae indicates that this missense variant is not expected to disrupt ATM protein function. ClinVar contains an entry for this variant (Variation ID: 877839). This variant has not been reported in the literature in individuals affected with ATM-related conditions. This variant is not present in population databases (gnomAD no frequency). This sequence change replaces alanine, which is neutral and non-polar, with aspartic acid, which is acidic and polar, at codon 2321 of the ATM protein (p.Ala2321Asp).

Illumina Laboratory Services, Illumina
Classification: Uncertain significance for Ataxia-telangiectasia syndrome. Last evaluated: 2018-01-13. Review status: criteria provided, single submitter. Criteria: ICSL Variant Classification Criteria 13 December 2019. Collection method: clinical testing. Allele origin: germline.